The following is an entry in ClinVar:

ClinVar aggregate classification (germline): Likely benign. Review status: criteria provided, multiple submitters, no conflicts (2 of 4 stars). 4 submissions from 4 submitters: Likely benign (3). 1 of the submissions does not count toward it. Last evaluated 2025-10-06.

Conditions:
KANK1-related disorder. Also called: KANK1-related condition.

Allele frequency attached by ClinVar (database versions not stated): TOPMed 0.00013; ESP Exome Variant Server 0.00015; gnomAD 0.00026 and 0.00031; gnomAD exomes 0.00054; ExAC 0.00066.
gnomAD v4.1: 353 of 1,614,142 alleles (0.022%); highest among the groups gnomAD compares: East Asian, 0.022%; 1 homozygote.

Submissions (4):

Labcorp Genetics (formerly Invitae), Labcorp
Classification: Likely benign. Last evaluated: 2025-10-06. Review status: criteria provided, single submitter. Criteria: Invitae Variant Classification Sherloc (09022015). Collection method: clinical testing. Allele origin: germline.

Ambry Genetics
Classification: Likely benign. Last evaluated: 2025-08-05. Review status: criteria provided, single submitter. Criteria: Ambry Variant Classification Scheme 2023. Collection method: clinical testing. Allele origin: germline.

Blueprint Genetics
Classification: Likely benign. Last evaluated: 2024-09-02. Review status: criteria provided, single submitter. Criteria: ACMG Guidelines, 2015. Collection method: clinical testing. Allele origin: germline.

PreventionGenetics, part of Exact Sciences
Classification: Likely benign for KANK1-related condition. Last evaluated: 2021-11-04. Review status: no assertion criteria provided. Collection method: clinical testing. Allele origin: germline. Not counted in ClinVar's aggregate classification.
Comment: This variant is classified as likely benign based on ACMG/AMP sequence variant interpretation guidelines (Richards et al. 2015 PMID: 25741868, with internal and published modifications).

NM_015158.5(KANK1):c.1732C>T (p.His578Tyr)

Gene: KANK1 (KN motif and ankyrin repeat domains 1; plus strand). Cytogenetic location: 9p24.3.
Variant type: single nucleotide variant.
Coding change: c.1732C>T on transcript NM_015158.5 (MANE Select); coding-DNA position 1732, C replaced by T.
Protein change: p.His578Tyr; replaces histidine 578 with tyrosine.
Molecular consequence: missense variant. On other transcripts: non-coding transcript variant (1).
Genome position (GRCh38, 1-based): chr9:712,498, C>T. VCF-style: chr9-712498-C-T. GRCh37 (hg19) VCF-style: chr9-712498-C-T.
Other names: c.1732C>T, p.His578Tyr (NM_001256876.3, NM_001256877.3, NM_001354331.2 and 2 more transcripts); c.1258C>T, p.His420Tyr (NM_001354333.2, NM_001354335.2, NM_001354336.2 and 9 more transcripts); c.1732C>T (NM_015158.2); short protein forms H578Y, H420Y.
Identifiers: ClinVar variation 748930 (VCV000748930.12), dbSNP rs202042142, ClinGen allele CA4960298.